The following is an entry in ClinVar:

ClinVar aggregate classification (germline): Uncertain significance (1 of 4 stars; one submission).

Submission:

Labcorp Genetics (formerly Invitae), Labcorp
Classification: Uncertain significance. Last evaluated: 2021-09-29. Review status: criteria provided, single submitter. Criteria: Invitae Variant Classification Sherloc (09022015). Collection method: clinical testing. Allele origin: germline.
Comment: In summary, the available evidence is currently insufficient to determine the role of this variant in disease. Therefore, it has been classified as a Variant of Uncertain Significance. Algorithms developed to predict the effect of missense changes on protein structure and function are either unavailable or do not agree on the potential impact of this missense change (SIFT: "Deleterious"; PolyPhen-2: "Probably Damaging"; Align-GVGD: "Class C0"). This variant has not been reported in the literature in individuals affected with IRF4-related conditions. This variant is not present in population databases (ExAC no frequency). This sequence change replaces arginine with glycine at codon 25 of the IRF4 protein (p.Arg25Gly). The arginine residue is highly conserved and there is a moderate physicochemical difference between arginine and glycine.

NM_002460.4(IRF4):c.73C>G (p.Arg25Gly)

Gene: IRF4 (interferon regulatory factor 4; plus strand). Cytogenetic location: 6p25.3.
Variant type: single nucleotide variant.
Coding change: c.73C>G on transcript NM_002460.4 (MANE Select); coding-DNA position 73, C replaced by G.
Protein change: p.Arg25Gly; replaces arginine 25 with glycine.
Molecular consequence: missense variant. On other transcripts: non-coding transcript variant (1).
Genome position (GRCh38, 1-based): chr6:393,225, C>G. VCF-style: chr6-393225-C-G. GRCh37 (hg19) VCF-style: chr6-393225-C-G.
Other names: c.73C>G, p.Arg25Gly (NM_001195286.2); short protein forms R25G.
Identifiers: ClinVar variation 1383762 (VCV001383762.6), dbSNP rs2127436091, ClinGen allele CA362546367.